The following is an entry in ClinVar:

ClinVar aggregate classification (germline): Uncertain significance (1 of 4 stars; one submission).

Conditions:
Epidermolysis bullosa simplex with nail dystrophy (EBS5D). Identifiers: MedGen C4225309, MONDO:0014661, OMIM 616487.
Epidermolysis bullosa simplex 5B, with muscular dystrophy (EBS5B). Also called: EPIDERMOLYSIS BULLOSA SIMPLEX AND LIMB-GIRDLE MUSCULAR DYSTROPHY; Epidermolysis bullosa simplex with muscular dystrophy. Identifiers: Orphanet 257, MedGen C2931072, MONDO:0009181, OMIM 226670.
Epidermolysis bullosa simplex, Ogna type (EBS5A). Also called: Pidermolysis bullosa simplex 5A, Ogna type; EPIDERMOLYSIS BULLOSA SIMPLEX 5A, OGNA TYPE. Identifiers: Orphanet 79401, MedGen C0432317, MONDO:0007555, OMIM 131950.
Epidermolysis bullosa simplex 5C, with pyloric atresia (EBS5C). Also called: PLEC-Related Epidermolysis Bullosa with Pyloric Atresia; Epidermolysis bullosa simplex with pyloric atresia; PLEC1-Related Epidermolysis Bullosa with Pyloric Atresia. Identifiers: Orphanet 158684, MedGen C2677349, MONDO:0012807, OMIM 612138.
Autosomal recessive limb-girdle muscular dystrophy type 2Q (LGMDR17). Also called: MUSCULAR DYSTROPHY, LIMB-GIRDLE, AUTOSOMAL RECESSIVE 17. Identifiers: Orphanet 254361, MedGen C3150989, MONDO:0013390, OMIM 613723.

Allele frequency attached by ClinVar (database versions not stated): gnomAD 0.00001; TOPMed 0.00001.
gnomAD v4.1: 4 of 1,573,422 alleles (0.00025%); highest among the groups gnomAD compares: Non-Finnish European, 0.00034%; no homozygotes.

Submission:

Labcorp Genetics (formerly Invitae), Labcorp
Classification: Uncertain significance for Autosomal recessive limb-girdle muscular dystrophy type 2Q; Epidermolysis bullosa simplex, Ogna type; Epidermolysis bullosa simplex with nail dystrophy; Epidermolysis bullosa simplex 5C, with pyloric atresia; Epidermolysis bullosa simplex 5B, with muscular dystrophy. Last evaluated: 2022-08-23. Review status: criteria provided, single submitter. Criteria: Invitae Variant Classification Sherloc (09022015). Collection method: clinical testing. Allele origin: germline.
Comment: This variant is present in population databases (no rsID available, gnomAD 0.001%). This variant has not been reported in the literature in individuals affected with PLEC-related conditions. This sequence change replaces glutamic acid, which is acidic and polar, with glutamine, which is neutral and polar, at codon 1859 of the PLEC protein (p.Glu1859Gln). ClinVar contains an entry for this variant (Variation ID: 1021354). Algorithms developed to predict the effect of missense changes on protein structure and function are either unavailable or do not agree on the potential impact of this missense change (SIFT: "Deleterious"; PolyPhen-2: "Not Available"; Align-GVGD: "Class C25"). In summary, the available evidence is currently insufficient to determine the role of this variant in disease. Therefore, it has been classified as a Variant of Uncertain Significance.

NM_201384.3(PLEC):c.5494G>C (p.Glu1832Gln)

Gene: PLEC (plectin; minus strand). Cytogenetic location: 8q24.3.
Variant type: single nucleotide variant.
Coding change: c.5494G>C on transcript NM_201384.3 (MANE Select); coding-DNA position 5494, G replaced by C.
Protein change: p.Glu1832Gln; replaces glutamic acid 1832 with glutamine.
Molecular consequence: missense variant.
Genome position (GRCh38, 1-based): chr8:143,924,435, C>G on the plus strand (G>C on the coding strand, the complement: PLEC is on the minus strand). VCF-style: chr8-143924435-C-G. GRCh37 (hg19) VCF-style: chr8-144998603-C-G.
Other names: c.5575G>C, p.Glu1859Gln (NM_000445.5); c.5452G>C, p.Glu1818Gln (NM_201378.4); c.5428G>C, p.Glu1810Gln (NM_201379.3); c.5905G>C, p.Glu1969Gln (NM_201380.4); c.5398G>C, p.Glu1800Gln (NM_201381.3); c.5494G>C, p.Glu1832Gln (NM_201382.4); c.5506G>C, p.Glu1836Gln (NM_201383.3); short protein forms E1800Q, E1810Q, E1818Q, E1832Q, E1836Q, E1859Q, E1969Q.
Identifiers: ClinVar variation 1021354 (VCV001021354.5), dbSNP rs1401586689, ClinGen allele CA372544584.
Genomic context (GRCh38, chr8:143,924,435, plus strand): 5'-CCTCCGTCTTGAGCCGCGTGGCCTCGCCGATGGCGGCCAGCTTCTCCGCAAGCACCCGCT[C>G]CGCCTCGGCCCGCTGCCGCGCCGCGTCTTCCTCGGCCAGCTGCCGCTGCCGCTTGGCCTC-3'
Protein context (NP_958786.1, residues 1822-1842): EDAARQRAEA[Glu1832Gln]RVLAEKLAAI